The following is an entry in ClinVar:

ClinVar aggregate classification (germline): Uncertain significance (1 of 4 stars; one submission).

gnomAD v4.1: 13 of 1,613,210 alleles (0.00081%); highest among the groups gnomAD compares: East Asian, 0.016%; no homozygotes.

Submission:

Labcorp Genetics (formerly Invitae), Labcorp
Classification: Uncertain significance. Last evaluated: 2025-05-11. Review status: criteria provided, single submitter. Criteria: Invitae Variant Classification Sherloc (09022015). Collection method: clinical testing. Allele origin: germline.
Comment: This sequence change replaces proline, which is neutral and non-polar, with threonine, which is neutral and polar, at codon 296 of the LEMD3 protein (p.Pro296Thr). This variant is present in population databases (rs757425587, gnomAD 0.04%). This variant has not been reported in the literature in individuals affected with LEMD3-related conditions. ClinVar contains an entry for this variant (Variation ID: 3712189). Invitae Evidence Modeling of protein sequence and biophysical properties (such as structural, functional, and spatial information, amino acid conservation, physicochemical variation, residue mobility, and thermodynamic stability) indicates that this missense variant is not expected to disrupt LEMD3 protein function with a negative predictive value of 80%. In summary, the available evidence is currently insufficient to determine the role of this variant in disease. Therefore, it has been classified as a Variant of Uncertain Significance.

NM_014319.5(LEMD3):c.886C>A (p.Pro296Thr)

Gene: LEMD3 (LEM domain containing 3; plus strand). Cytogenetic location: 12q14.3.
Variant type: single nucleotide variant.
Coding change: c.886C>A on transcript NM_014319.5 (MANE Select); coding-DNA position 886, C replaced by A.
Protein change: p.Pro296Thr; replaces proline 296 with threonine.
Molecular consequence: missense variant.
Genome position (GRCh38, 1-based): chr12:65,170,482, C>A. VCF-style: chr12-65170482-C-A. GRCh37 (hg19) VCF-style: chr12-65564262-C-A.
Other names: c.886C>A, p.Pro296Thr (NM_001167614.2); short protein forms P296T.
Identifiers: ClinVar variation 3712189 (VCV003712189.2).